The following is an entry in ClinVar:

ClinVar aggregate classification (germline): Uncertain significance (1 of 4 stars; one submission).

Submission:

Labcorp Genetics (formerly Invitae), Labcorp
Classification: Uncertain significance. Last evaluated: 2022-05-19. Review status: criteria provided, single submitter. Criteria: Invitae Variant Classification Sherloc (09022015). Collection method: clinical testing. Allele origin: germline.
Comment: In summary, the available evidence is currently insufficient to determine the role of this variant in disease. Therefore, it has been classified as a Variant of Uncertain Significance. Algorithms developed to predict the effect of missense changes on protein structure and function (SIFT, PolyPhen-2, Align-GVGD) all suggest that this variant is likely to be tolerated. This variant has not been reported in the literature in individuals affected with EYS-related conditions. This variant is not present in population databases (gnomAD no frequency). This sequence change replaces valine, which is neutral and non-polar, with leucine, which is neutral and non-polar, at codon 3116 of the EYS protein (p.Val3116Leu).

NM_001142800.2(EYS):c.9346G>C (p.Val3116Leu)

Genes: EYS (EGF-like photoreceptor maintenance factor; minus strand), PHF3 (PHD finger protein 3; plus strand). Cytogenetic location: 6q12.
Variant type: single nucleotide variant.
Coding change: c.9346G>C on transcript NM_001142800.2 (MANE Select); coding-DNA position 9346, G replaced by C.
Protein change: p.Val3116Leu; replaces valine 3116 with leucine.
Molecular consequence: missense variant. On other transcripts: 3 prime UTR variant (5).
Genome position (GRCh38, 1-based): chr6:63,720,685, C>G on the plus strand (G>C on the coding strand, the complement: EYS is on the minus strand). VCF-style: chr6-63720685-C-G. GRCh37 (hg19) VCF-style: chr6-64430581-C-G.
Other names: c.*6977C>G (NM_001290259.2, NM_001370348.2, NM_001370349.2 and 2 more transcripts); c.9409G>C, p.Val3137Leu (NM_001292009.2); short protein forms V3116L, V3137L.
Identifiers: ClinVar variation 2158313 (VCV002158313.4), dbSNP rs1180167311, ClinGen allele CA364382689.
Genomic context (GRCh38, chr6:63,720,685, plus strand): 5'-CATAAACATTGTATCCTTCTAATTTAATTAGTTCAATGTTTTTTGGTTCCTGAAAAAATA[C>G]AACATCTTTAATTTTGCCAACAAAATTGGTTTTAAAAATCTCTTGAGTAACGATATTTAC-3'
Protein context (NP_001136272.1, residues 3106-3126): TNFVGKIKDV[Val3116Leu]FFQEPKNIEL